The following is an entry in ClinVar:

NM_138576.4(BCL11B):c.992G>T (p.Ser331Ile)

Gene: BCL11B (BCL11 transcription factor B; minus strand). Cytogenetic location: 14q32.2.
Variant type: single nucleotide variant.
Coding change: c.992G>T on transcript NM_138576.4 (MANE Select); coding-DNA position 992, G replaced by T.
Protein change: p.Ser331Ile; replaces serine 331 with isoleucine.
Molecular consequence: missense variant.
Genome position (GRCh38, 1-based): chr14:99,175,844, C>A on the plus strand (G>T on the coding strand, the complement: BCL11B is on the minus strand). VCF-style: chr14-99175844-C-A. GRCh37 (hg19) VCF-style: chr14-99642181-C-A.
Other names: c.989G>T, p.Ser330Ile (NM_001282237.2); c.776G>T, p.Ser259Ile (NM_001282238.2); c.779G>T, p.Ser260Ile (NM_022898.3); short protein forms S259I, S260I, S330I, S331I.
Identifiers: ClinVar variation 2500080 (VCV002500080.2), dbSNP rs1043711919, ClinGen allele CA266106201.

ClinVar aggregate classification (germline): Uncertain significance (1 of 4 stars; one submission).

Conditions:
Intellectual developmental disorder with speech delay, dysmorphic facies, and t-cell abnormalities. Also called: BCL11B-related BAFopathy. Identifiers: Orphanet 662829, MedGen C4748152, MONDO:0060763, OMIM 618092.
Immunodeficiency 49 (IMD49). Also called: IMMUNODEFICIENCY 49, SEVERE COMBINED; SEVERE COMBINED IMMUNODEFICIENCY, T CELL-NEGATIVE, B CELL-POSITIVE, NK CELL-POSITIVE, WITH INTELLECTUAL DISABILITY, SPASTICITY, AND CRANIOFACIAL ABNORMALITIES; SCID, T CELL-NEGATIVE, B CELL-POSITIVE, NK CELL-POSITIVE, WITH INTELLECTUAL DISABILITY, SPASTICITY, AND CRANIOFACIAL ABNORMALITIES. Identifiers: MedGen C4310656, MONDO:0014981, OMIM 617237.

Submission:

Center for Genomics, Ann and Robert H. Lurie Children's Hospital of Chicago
Classification: Uncertain significance for Immunodeficiency 49; Intellectual developmental disorder with speech delay, dysmorphic facies, and t-cell abnormalities. Review status: criteria provided, single submitter. Criteria: ACMG Guidelines, 2015. Collection method: clinical testing. Allele origin: germline.
Comment: This variant has not been reported in the literature and is not present in large control databases. Evolutionary conservation and computational predictive tools suggest that this variant may not impact the protein. In summary, data on this variant is insufficient for disease classification. Therefore, the clinical significance of this variant is uncertain.